The following is an entry in ClinVar:

ClinVar aggregate classification (germline): Likely benign. Review status: criteria provided, multiple submitters, no conflicts (2 of 4 stars). 2 submissions from 2 submitters: Likely benign (2). Last evaluated 2026-07-05.

Conditions:
COL7A1-related disorder. Also called: COL7A1-related condition; COL7A1- related disorders.

Allele frequency attached by ClinVar (database versions not stated): ExAC 0.00002; gnomAD exomes 0.00002; gnomAD 0.00008 and 0.00009; TOPMed 0.00008.
gnomAD v4.1: 45 of 1,606,844 alleles (0.0028%); highest among the groups gnomAD compares: African/African-American, 0.028%; no homozygotes.

Submissions (2):

PreventionGenetics, part of Exact Sciences
Classification: Likely benign for COL7A1-related condition. Last evaluated: 2026-07-05. Review status: criteria provided, single submitter. Criteria: ACMG Guidelines, 2015. Collection method: clinical testing. Allele origin: germline.
Comment: This variant is classified as likely benign based on ACMG/AMP sequence variant interpretation guidelines (Richards et al. 2015 PMID: 25741868, with internal and published modifications).

Labcorp Genetics (formerly Invitae), Labcorp
Classification: Likely benign. Last evaluated: 2024-06-13. Review status: criteria provided, single submitter. Criteria: Invitae Variant Classification Sherloc (09022015). Collection method: clinical testing. Allele origin: germline.

NM_000094.4(COL7A1):c.5701-9G>A

Gene: COL7A1 (collagen type VII alpha 1 chain; minus strand). Cytogenetic location: 3p21.31.
Variant type: single nucleotide variant.
Coding change: c.5701-9G>A on transcript NM_000094.4 (MANE Select); 9 bases into the intron before coding-DNA position 5701, G replaced by A.
Molecular consequence: intron variant.
Genome position (GRCh38, 1-based): chr3:48,576,566, C>T on the plus strand (G>A on the coding strand, the complement: COL7A1 is on the minus strand). VCF-style: chr3-48576566-C-T. GRCh37 (hg19) VCF-style: chr3-48613999-C-T.
Other names: c.5701-9G>A (NM_000094.3).
Identifiers: ClinVar variation 1093370 (VCV001093370.8), dbSNP rs765799373, ClinGen allele CA2379373.
Genomic context (GRCh38, chr3:48,576,566, plus strand): 5'-CAACATCCGCACTCACCTTGGGGCCCGTGCCTCCTGGGACACCAGGAAAACCCTGAGATA[C>T]GGCAGAACACAAAGGGGTCACAAAGGCCCATGGCTTCCCAGGAGGGTTGCCCATTGAAAC-3'